The following is an entry in ClinVar:

NM_032383.5(HPS3):c.701G>A (p.Arg234Gln)

Gene: HPS3 (HPS3 biogenesis of lysosomal organelles complex 2 subunit 1; plus strand). Cytogenetic location: 3q24.
Variant type: single nucleotide variant.
Coding change: c.701G>A on transcript NM_032383.5 (MANE Select); coding-DNA position 701, G replaced by A.
Protein change: p.Arg234Gln; replaces arginine 234 with glutamine.
Molecular consequence: missense variant. On other transcripts: intron variant (1).
Genome position (GRCh38, 1-based): chr3:149,140,487, G>A. VCF-style: chr3-149140487-G-A. GRCh37 (hg19) VCF-style: chr3-148858274-G-A.
Other names: c.218-530G>A (NM_001308258.2); c.701G>A (NM_032383.3); short protein forms R234Q.
Identifiers: ClinVar variation 991437 (VCV000991437.4), dbSNP rs748904322, ClinGen allele CA2659857.

ClinVar aggregate classification (germline): Conflicting classifications of pathogenicity. Review status: criteria provided, conflicting classifications (1 of 4 stars). 3 submissions from 3 submitters: Uncertain significance (1); Likely benign (1). 1 of the submissions does not count toward it. Last evaluated 2025-08-20.

Conditions:
Hermansky-Pudlak syndrome (HPS). Also called: ALBINISM WITH HEMORRHAGIC DIATHESIS AND PIGMENTED RETICULOENDOTHELIAL CELLS. Identifiers: Orphanet 79430, MedGen C0079504, MONDO:0019312.
Inborn genetic diseases. Identifiers: MedGen C0950123, MeSH D030342.

Allele frequency attached by ClinVar (database versions not stated): ExAC 0.00002; gnomAD 0.00002; TOPMed 0.00002; gnomAD exomes 0.00003.
gnomAD v4.1: 69 of 1,613,876 alleles (0.0043%); highest among the groups gnomAD compares: South Asian, 0.0088%; no homozygotes.

Submissions (3):

Ambry Genetics
Classification: Likely benign for Inborn genetic diseases. Last evaluated: 2025-08-20. Review status: criteria provided, single submitter. Criteria: Ambry Variant Classification Scheme 2023. Collection method: clinical testing. Allele origin: germline.

Labcorp Genetics (formerly Invitae), Labcorp
Classification: Uncertain significance. Last evaluated: 2021-09-17. Review status: criteria provided, single submitter. Criteria: Invitae Variant Classification Sherloc (09022015). Collection method: clinical testing. Allele origin: germline.
Comment: This sequence change replaces arginine with glutamine at codon 234 of the HPS3 protein (p.Arg234Gln). The arginine residue is weakly conserved and there is a small physicochemical difference between arginine and glutamine. This variant is present in population databases (rs748904322, ExAC 0.003%). This variant has not been reported in the literature in individuals with HPS3-related conditions. Algorithms developed to predict the effect of missense changes on protein structure and function output the following: SIFT: "Tolerated"; PolyPhen-2: "Benign"; Align-GVGD: "Class C0". The glutamine amino acid residue is found in multiple mammalian species, suggesting that this missense change does not adversely affect protein function. These predictions have not been confirmed by published functional studies and their clinical significance is uncertain. In summary, the available evidence is currently insufficient to determine the role of this variant in disease. Therefore, it has been classified as a Variant of Uncertain Significance.

Natera, Inc.
Classification: Uncertain significance for Hermansky-Pudlak syndrome. Last evaluated: 2020-06-09. Review status: no assertion criteria provided. Collection method: clinical testing. Allele origin: germline. Not counted in ClinVar's aggregate classification.